The following is an entry in ClinVar:

NM_006129.5(BMP1):c.804C>T (p.Ser268=)

Gene: BMP1 (bone morphogenetic protein 1; plus strand). Cytogenetic location: 8p21.3.
Variant type: single nucleotide variant.
Coding change: c.804C>T on transcript NM_006129.5 (MANE Select); coding-DNA position 804, C replaced by T.
Protein change: p.Ser268=; no amino-acid change (serine 268 retained).
Molecular consequence: synonymous variant. On other transcripts: non-coding transcript variant (2).
Genome position (GRCh38, 1-based): chr8:22,177,925, C>T. VCF-style: chr8-22177925-C-T. GRCh37 (hg19) VCF-style: chr8-22035438-C-T.
Other names: c.804C>T, p.Ser268= (NM_001199.4).
Identifiers: ClinVar variation 2855168 (VCV002855168.21), dbSNP rs1407679928, ClinGen allele CA459914254.

ClinVar aggregate classification (germline): Likely benign. Review status: criteria provided, multiple submitters, no conflicts (2 of 4 stars). 2 submissions from 2 submitters: Likely benign (2). Last evaluated 2024-06-01.

Allele frequency attached by ClinVar (database versions not stated): gnomAD exomes below 0.00001.
gnomAD v4.1: 1 of 1,613,428 alleles (0.000062%); highest among the groups gnomAD compares: Non-Finnish European, 0.000085%; no homozygotes.

Submissions (2):

CeGaT Center for Human Genetics Tuebingen
Classification: Likely benign. Last evaluated: 2024-06-01. Review status: criteria provided, single submitter. Criteria: CeGaT Center For Human Genetics Tuebingen Variant Classification Criteria Version 2. Collection method: clinical testing. Allele origin: germline. Affected: yes. Observed: 1 variant allele.
Comment: BMP1: BP4, BP7

Labcorp Genetics (formerly Invitae), Labcorp
Classification: Likely benign. Last evaluated: 2023-06-02. Review status: criteria provided, single submitter. Criteria: Invitae Variant Classification Sherloc (09022015). Collection method: clinical testing. Allele origin: germline.